The following is an entry in ClinVar:

ClinVar aggregate classification (germline): Uncertain significance. Review status: criteria provided, multiple submitters, no conflicts (2 of 4 stars). 4 submissions from 4 submitters: Uncertain significance (4). Last evaluated 2026-05-08.

Conditions:
Classic or attenuated familial adenomatous polyposis. Identifiers: MedGen CN372698, MONDO:0021057.
Familial adenomatous polyposis 1 (FAP1). Also called: FAMILIAL ADENOMATOUS POLYPOSIS 1, ATTENUATED; POLYPOSIS, ADENOMATOUS INTESTINAL. Identifiers: MedGen C2713442, MONDO:0021056, OMIM 175100. Disease mechanism: loss of function.
Hereditary cancer-predisposing syndrome. Also called: Tumor predisposition; Hereditary Cancer Syndrome; Neoplastic Syndromes, Hereditary; Hereditary neoplastic syndrome. Identifiers: Orphanet 140162, MedGen C0027672, MeSH D009386, MONDO:0015356.

Submissions (4):

Ambry Genetics
Classification: Uncertain significance for Hereditary cancer-predisposing syndrome. Last evaluated: 2026-05-08. Review status: criteria provided, single submitter. Criteria: Ambry Variant Classification Scheme 2023. Collection method: clinical testing. Allele origin: germline.
Comment: The p.C344S variant (also known as c.1030T>A), located in coding exon 9 of the APC gene, results from a T to A substitution at nucleotide position 1030. The cysteine at codon 344 is replaced by serine, an amino acid with dissimilar properties. This amino acid position is highly conserved in available vertebrate species. In addition, in silico predictors for this gene do not accurately predict pathogenicity. Missense variants in APC are not a common cause of disease (Spier I et al. Genet Med. 2024 Feb;26(2):100992). Based on the available evidence, the clinical significance of this variant remains unclear.

All of Us Research Program, National Institutes of Health
Classification: Uncertain significance for Classic or attenuated familial adenomatous polyposis. Last evaluated: 2023-12-01. Review status: criteria provided, single submitter. Criteria: ACMG Guidelines, 2015. Collection method: clinical testing. Allele origin: germline. Inheritance: Autosomal dominant inheritance. Observed: 1 variant allele, 1 heterozygote.
Comment: This study involves interpretation of variants in research participants for the purpose of population health screening. Participant phenotype was not available at the time of variant classification. Additional details can be found in publication PMID: 35346344, PMCID: PMC8962531

Color Diagnostics, LLC DBA Color Health
Classification: Uncertain significance for Hereditary cancer-predisposing syndrome. Last evaluated: 2023-10-09. Review status: criteria provided, single submitter. Criteria: ACMG Guidelines, 2015. Collection method: clinical testing. Allele origin: germline.
Comment: This missense variant replaces cysteine with serine at codon 344 of the APC protein. Computational prediction suggests that this variant may have deleterious impact on protein structure and function (internally defined REVEL score threshold >= 0.7, PMID: 27666373). To our knowledge, functional studies have not been reported for this variant. This variant has not been reported in individuals affected with APC-related disorders in the literature. This variant has not been identified in the general population by the Genome Aggregation Database (gnomAD). The available evidence is insufficient to determine the role of this variant in disease conclusively. Therefore, this variant is classified as a Variant of Uncertain Significance.

Labcorp Genetics (formerly Invitae), Labcorp
Classification: Uncertain significance for Familial adenomatous polyposis 1. Last evaluated: 2023-09-20. Review status: criteria provided, single submitter. Criteria: Invitae Variant Classification Sherloc (09022015). Collection method: clinical testing. Allele origin: germline.
Comment: In summary, the available evidence is currently insufficient to determine the role of this variant in disease. Therefore, it has been classified as a Variant of Uncertain Significance. Advanced modeling of protein sequence and biophysical properties (such as structural, functional, and spatial information, amino acid conservation, physicochemical variation, residue mobility, and thermodynamic stability) has been performed at Invitae for this missense variant, however the output from this modeling did not meet the statistical confidence thresholds required to predict the impact of this variant on APC protein function. ClinVar contains an entry for this variant (Variation ID: 631424). This variant has not been reported in the literature in individuals affected with APC-related conditions. This variant is not present in population databases (gnomAD no frequency). This sequence change replaces cysteine, which is neutral and slightly polar, with serine, which is neutral and polar, at codon 344 of the APC protein (p.Cys344Ser).

NM_000038.6(APC):c.1030T>A (p.Cys344Ser)

Gene: APC (APC regulator of Wnt signaling pathway; plus strand). Cytogenetic location: 5q22.2.
Variant type: single nucleotide variant.
Coding change: c.1030T>A on transcript NM_000038.6 (MANE Select); coding-DNA position 1030, T replaced by A.
Protein change: p.Cys344Ser; replaces cysteine 344 with serine.
Molecular consequence: missense variant. On other transcripts: intron variant (4).
Genome position (GRCh38, 1-based): chr5:112,819,062, T>A. VCF-style: chr5-112819062-T-A. GRCh37 (hg19) VCF-style: chr5-112154759-T-A.
Other names: c.1030T>A, p.Cys344Ser (NM_001127510.3, NM_001354895.2, NM_001354896.2); c.976T>A, p.Cys326Ser (NM_001127511.3); c.1060T>A, p.Cys354Ser (NM_001354897.2); c.955T>A, p.Cys319Ser (NM_001354898.2); c.946T>A, p.Cys316Ser (NM_001354899.2); c.853T>A, p.Cys285Ser (NM_001354900.2, NM_001354901.2); c.181T>A, p.Cys61Ser (NM_001354906.2); c.964-207T>A (NM_001354902.2); and 3 more; short protein forms C344S, C326S, C354S, C61S, C285S, C316S, C319S.
Identifiers: ClinVar variation 631424 (VCV000631424.13), dbSNP rs1561540861, ClinGen allele CA16023566.
Genomic context (GRCh38, chr5:112,819,062, plus strand): 5'-ACTCATGATAAGGATGATATGTCGCGAACTTTGCTAGCTATGTCTAGCTCCCAAGACAGC[T>A]GTATATCCATGCGACAGTCTGGATGTCTTCCTCTCCTCATCCAGCTTTTACATGGCAATG-3'
Protein context (NP_000029.2, residues 334-354): LLAMSSSQDS[Cys344Ser]ISMRQSGCLP